The following is an entry in ClinVar:

ClinVar aggregate classification (germline): Conflicting classifications of pathogenicity. Review status: criteria provided, conflicting classifications (1 of 4 stars). 6 submissions from 6 submitters: Uncertain significance (1); Likely benign (5). Last evaluated 2026-01-15.

Conditions:
CHD8-related disorder. Also called: CHD8-related disorders; CHD8-related condition.
Complex neurodevelopmental disorder. Identifiers: Orphanet 528084, MedGen C5568766, MONDO:0100038.
Inborn genetic diseases. Identifiers: MedGen C0950123, MeSH D030342.

Allele frequency attached by ClinVar (database versions not stated): TOPMed 0.00020; ExAC 0.00021; gnomAD 0.00021 and 0.00022; gnomAD exomes 0.00021 and 0.00058; ESP Exome Variant Server 0.00040.
gnomAD v4.1: 868 of 1,613,692 alleles (0.054%); highest among the groups gnomAD compares: Non-Finnish European, 0.07%; 1 homozygote.

Submissions (6):

PreventionGenetics, part of Exact Sciences
Classification: Likely benign for CHD8-related condition. Last evaluated: 2026-01-15. Review status: criteria provided, single submitter. Criteria: ACMG Guidelines, 2015. Collection method: clinical testing. Allele origin: germline.
Comment: This variant is classified as likely benign based on ACMG/AMP sequence variant interpretation guidelines (Richards et al. 2015 PMID: 25741868, with internal and published modifications).

Labcorp Genetics (formerly Invitae), Labcorp
Classification: Likely benign. Last evaluated: 2025-12-24. Review status: criteria provided, single submitter. Criteria: Invitae Variant Classification Sherloc (09022015). Collection method: clinical testing. Allele origin: germline.

CeGaT Center for Human Genetics Tuebingen
Classification: Likely benign. Last evaluated: 2024-10-01. Review status: criteria provided, single submitter. Criteria: CeGaT Center For Human Genetics Tuebingen Variant Classification Criteria Version 2. Collection method: clinical testing. Allele origin: germline. Affected: yes. Observed: 4 variant alleles.
Comment: CHD8: PP2, BS1

Department of Pathology and Laboratory Medicine, Sinai Health System
Classification: Uncertain significance for complex neurodevelopmental disorder. Last evaluated: 2021-08-20. Review status: criteria provided, single submitter. Criteria: ACMG Guidelines, 2015. Collection method: research. Allele origin: germline.

GeneDx
Classification: Likely benign. Last evaluated: 2021-04-22. Review status: criteria provided, single submitter. Criteria: GeneDx Variant Classification Process June 2021. Collection method: clinical testing. Allele origin: germline. Affected: yes.

Ambry Genetics
Classification: Likely benign for Inborn genetic diseases. Last evaluated: 2019-01-25. Review status: criteria provided, single submitter. Criteria: Ambry Variant Classification Scheme 2023. Collection method: clinical testing. Allele origin: germline.

NM_001170629.2(CHD8):c.5483G>A (p.Arg1828His)

Gene: CHD8 (chromodomain helicase DNA binding protein 8; minus strand). Cytogenetic location: 14q11.2.
Variant type: single nucleotide variant.
Coding change: c.5483G>A on transcript NM_001170629.2 (MANE Select); coding-DNA position 5483, G replaced by A.
Protein change: p.Arg1828His; replaces arginine 1828 with histidine.
Molecular consequence: missense variant.
Genome position (GRCh38, 1-based): chr14:21,394,393, C>T on the plus strand (G>A on the coding strand, the complement: CHD8 is on the minus strand). VCF-style: chr14-21394393-C-T. GRCh37 (hg19) VCF-style: chr14-21862552-C-T.
Other names: c.4646G>A, p.Arg1549His (NM_020920.4); short protein forms R1549H, R1828H.
Identifiers: ClinVar variation 1193997 (VCV001193997.46), dbSNP rs199908540, ClinGen allele CA7090944.